The following is an entry in ClinVar:

ClinVar aggregate classification (germline): Uncertain significance. Review status: reviewed by expert panel (3 of 4 stars). 6 submissions from 6 submitters: Uncertain significance (1). 5 of the submissions do not count toward it. Last evaluated 2025-02-28.

Conditions:
Abnormal cerebral morphology. Also called: Abnormality of the cerebrum. Identifiers: MedGen C4021762, HP:0002060.
CDKL5 disorder. Identifiers: MedGen CN296942, MONDO:0100039.
Developmental and epileptic encephalopathy, 2 (DEE2). Also called: INFANTILE SPASM SYNDROME, X-LINKED 2; CDKL5 deficiency disorder. Identifiers: Orphanet 1934, Orphanet 3451, Orphanet 505652, MedGen C4750718, MONDO:0010396, OMIM 300672.
Angelman syndrome-like. Identifiers: MedGen CN128785.

Allele frequency attached by ClinVar (database versions not stated): ExAC 0.00001; gnomAD exomes 0.00001.
gnomAD v4.1: 11 of 1,211,711 alleles (0.00091%); highest among the groups gnomAD compares: East Asian, 0.015%; no homozygotes.

Submissions (6):

ClinGen Rett and Angelman-like Disorders Variant Curation Expert Panel
Classification: Uncertain significance for CDKL5 disorder. Last evaluated: 2025-02-28. Review status: reviewed by expert panel. Criteria: ClinGen RettAS ACMG Specifications CDKL5 V4.0.0. Collection method: curation. Allele origin: germline. Inheritance: X-linked inheritance.
Comment: The highest population minor allele frequency of the c.2684C>T (p.Pro895Leu) variant in CDKL5 in gnomAD v4.1 is 0.0001 in the East Asian population, which is higher than the ClinGen Rett and Angelman-like Disorders VCEP threshold (≥0.00008) for BS1, and therefore meets this criterion (BS1). This variant has been identified as a de novo occurrence in 1 individual mosaic for this variant (mosaicism confirmed, PMID: 37088138) (PS2). The p.Pro895Leu variant has been reported in 1 proband with a neurodevelopmental phenotype consistent with CDKL5 disorder. However, PS4 cannot be applied because PM2 does not apply (PS4_not met) and the described phenotype does not meet PP4 criteria (PMID: 27770071) (PP4_Not met). The computational predictor REVEL gives a score of 0.241, which is below the threshold of 0.290, evidence that does not predict a damaging effect on CDKL5 function (BP4). In summary, the p.Pro895Leu variant in CDKL5 is classified as a Variant of Uncertain Significance based on the ACMG/AMP criteria (BS1, PS2, BP4) (CDKL5 Specifications v4.0; curation approved on 02/28/2025).

Women's Health and Genetics/Laboratory Corporation of America, LabCorp
Classification: Uncertain significance. Last evaluated: 2025-11-19. Review status: criteria provided, single submitter. Criteria: LabCorp Variant Classification Summary - May 2015. Collection method: clinical testing. Allele origin: germline. Not counted in ClinVar's aggregate classification.
Comment: Variant summary: CDKL5 c.2684C>T (p.Pro895Leu) results in a non-conservative amino acid change in the encoded protein sequence. Algorithms developed to predict the effect of missense changes on protein structure and function are either unavailable or do not agree on the potential impact of this missense change. The variant allele was found at a frequency of 1.1e-05 in 182799 control chromosomes. The available data on variant occurrences in the general population are insufficient to allow any conclusion about variant significance. c.2684C>T has been observed in individuals affected with features of Early Infantile Epileptic Encephalopathy 2 (e.g., Fehr_2015, Fehr_2016, Kim_2022, Kim_2023, Weng_2024), although some did not feature epilepsy. These reports do not provide unequivocal conclusions about association of the variant with Early Infantile Epileptic Encephalopathy 2. To our knowledge, no experimental evidence demonstrating an impact on protein function has been reported. The following publications have been ascertained in the context of this evaluation (PMID: 25657822, 27770071, 36619507, 37088138, 39541770). ClinVar contains an entry for this variant (Variation ID: 1701032). Based on the evidence outlined above, the variant was classified as uncertain significance.

Labcorp Genetics (formerly Invitae), Labcorp
Classification: Uncertain significance for Developmental and epileptic encephalopathy, 2; Angelman syndrome-like. Last evaluated: 2025-08-11. Review status: criteria provided, single submitter. Criteria: Invitae Variant Classification Sherloc (09022015). Collection method: clinical testing. Allele origin: germline. Not counted in ClinVar's aggregate classification.
Comment: This sequence change replaces proline, which is neutral and non-polar, with leucine, which is neutral and non-polar, at codon 895 of the CDKL5 protein (p.Pro895Leu). This variant is present in population databases (rs587783157, gnomAD 0.02%). This missense change has been observed in individual(s) with clinical features of CDKL5-related conditions (PMID: 27770071, 37088138). ClinVar contains an entry for this variant (Variation ID: 1701032). Invitae Evidence Modeling of protein sequence and biophysical properties (such as structural, functional, and spatial information, amino acid conservation, physicochemical variation, residue mobility, and thermodynamic stability) indicates that this missense variant is not expected to disrupt CDKL5 protein function with a negative predictive value of 95%. In summary, the available evidence is currently insufficient to determine the role of this variant in disease. Therefore, it has been classified as a Variant of Uncertain Significance.

Centre for Population Genomics, CPG
Classification: Likely benign for CDKL5 disorder. Last evaluated: 2024-09-16. Review status: criteria provided, single submitter. Criteria: McKnight et al. (Hum Mutat. 2022). Collection method: curation. Allele origin: germline. Inheritance: X-linked inheritance. Not counted in ClinVar's aggregate classification.
Comment: This variant has been collected from RettBASE and curated to current modified ACMG/AMP criteria. Based on the classification scheme defined by the ClinGen Rett/Angelman-like Expert Panel for Rett/AS-like Disorders Specifications to the ACMG/AMP Variant Interpretation Guidelines VCEP 3.0, this variant is classified as likely benign. At least the following criteria are met: The allele frequency of this variant in at least one population in gnomAD is between 0.008% and 0.03% (BS1).

Diagnostic Genetics, Severance Hospital, Yonsei University College of Medicine
Classification: Likely pathogenic for Developmental and epileptic encephalopathy, 2. Last evaluated: 2022-02-03. Review status: criteria provided, single submitter. Criteria: ACMG Guidelines, 2015. Collection method: clinical testing. Allele origin: de novo. Affected: yes. Not counted in ClinVar's aggregate classification.

Diagnostic Laboratory, Strasbourg University Hospital
Classification: Uncertain significance for Abnormal cerebral morphology. Review status: no assertion criteria provided. Collection method: clinical testing. Allele origin: maternal. Affected: yes. Observed: 1 heterozygote. Not counted in ClinVar's aggregate classification.

Literature cited by the submitters: PubMed 25657822 (cited by Women's Health and Genetics/Laboratory Corporation of America, LabCorp); PubMed 27770071 (cited by Women's Health and Genetics/Laboratory Corporation of America, LabCorp and Labcorp Genetics (formerly Invitae), Labcorp); PubMed 36619507 (cited by Women's Health and Genetics/Laboratory Corporation of America, LabCorp); PubMed 37088138 (cited by Women's Health and Genetics/Laboratory Corporation of America, LabCorp and Labcorp Genetics (formerly Invitae), Labcorp); PubMed 39541770 (cited by Women's Health and Genetics/Laboratory Corporation of America, LabCorp).

NM_001323289.2(CDKL5):c.2684C>T (p.Pro895Leu)

Gene: CDKL5 (cyclin dependent kinase like 5; plus strand). Cytogenetic location: Xp22.13.
Variant type: single nucleotide variant.
Coding change: c.2684C>T on transcript NM_001323289.2 (MANE Select); coding-DNA position 2684, C replaced by T.
Protein change: p.Pro895Leu; replaces proline 895 with leucine.
Molecular consequence: missense variant.
Genome position (GRCh38, 1-based): chrX:18,628,558, C>T. VCF-style: chrX-18628558-C-T. GRCh37 (hg19) VCF-style: chrX-18646678-C-T.
Other names: NM_001323289.2(CDKL5):c.2684C>T; p.Pro895Leu; c.2684C>T, p.Pro895Leu (NM_001037343.2, NM_003159.3); short protein forms P895L.
Identifiers: ClinVar variation 1701032 (VCV001701032.9), dbSNP rs587783157, ClinGen allele CA294762.